The following is an entry in ClinVar:

ClinVar aggregate classification (germline): Uncertain significance (1 of 4 stars; one submission).

Submission:

Labcorp Genetics (formerly Invitae), Labcorp
Classification: Uncertain significance. Last evaluated: 2021-12-08. Review status: criteria provided, single submitter. Criteria: Invitae Variant Classification Sherloc (09022015). Collection method: clinical testing. Allele origin: germline.
Comment: This sequence change replaces leucine, which is neutral and non-polar, with proline, which is neutral and non-polar, at codon 19 of the CDC6 protein (p.Leu19Pro). This variant is not present in population databases (gnomAD no frequency). This variant has not been reported in the literature in individuals affected with CDC6-related conditions. Algorithms developed to predict the effect of missense changes on protein structure and function output the following: SIFT: "Tolerated"; PolyPhen-2: "Benign"; Align-GVGD: "Class C0". The proline amino acid residue is found in multiple mammalian species, which suggests that this missense change does not adversely affect protein function. In summary, the available evidence is currently insufficient to determine the role of this variant in disease. Therefore, it has been classified as a Variant of Uncertain Significance.

NM_001254.4(CDC6):c.56T>C (p.Leu19Pro)

Gene: CDC6 (cell division cycle 6; plus strand). Cytogenetic location: 17q21.2.
Variant type: single nucleotide variant.
Coding change: c.56T>C on transcript NM_001254.4 (MANE Select); coding-DNA position 56, T replaced by C.
Protein change: p.Leu19Pro; replaces leucine 19 with proline.
Molecular consequence: missense variant.
Genome position (GRCh38, 1-based): chr17:40,289,476, T>C. VCF-style: chr17-40289476-T-C. GRCh37 (hg19) VCF-style: chr17-38445728-T-C.
Other names: short protein forms L19P.
Identifiers: ClinVar variation 1396572 (VCV001396572.6), dbSNP rs2143066911, ClinGen allele CA399324837.